The following is an entry in ClinVar:

ClinVar aggregate classification (germline): Uncertain significance (1 of 4 stars; one submission).

Conditions:
Fanconi anemia (FA). Also called: Fanconi's anemia. Identifiers: Orphanet 84, MedGen C0015625, MeSH D005199, MONDO:0019391.

Submission:

Labcorp Genetics (formerly Invitae), Labcorp
Classification: Uncertain significance for Fanconi anemia. Last evaluated: 2023-06-11. Review status: criteria provided, single submitter. Criteria: Invitae Variant Classification Sherloc (09022015). Collection method: clinical testing. Allele origin: germline.
Comment: In summary, the available evidence is currently insufficient to determine the role of this variant in disease. Therefore, it has been classified as a Variant of Uncertain Significance. Algorithms developed to predict the effect of sequence changes on RNA splicing suggest that this variant may disrupt the consensus splice site. This variant has not been reported in the literature in individuals affected with FANCC-related conditions. This variant is not present in population databases (gnomAD no frequency). This sequence change falls in intron 9 of the FANCC gene. It does not directly change the encoded amino acid sequence of the FANCC protein.

NM_000136.3(FANCC):c.897-12T>G

Genes: AOPEP (aminopeptidase O (putative); plus strand), FANCC (FA complementation group C; minus strand). Cytogenetic location: 9q22.32.
Variant type: single nucleotide variant.
Coding change: c.897-12T>G on transcript NM_000136.3 (MANE Select); 12 bases into the intron before coding-DNA position 897, T replaced by G.
Molecular consequence: intron variant.
Genome position (GRCh38, 1-based): chr9:95,125,197, A>C on the plus strand (T>G on the coding strand, the complement: FANCC is on the minus strand). VCF-style: chr9-95125197-A-C. GRCh37 (hg19) VCF-style: chr9-97887479-A-C.
Other names: c.897-12T>G (NM_001243743.2, NM_001243744.2).
Identifiers: ClinVar variation 3015737 (VCV003015737.3), dbSNP rs987671985, ClinGen allele CA2740095529.